The following is an entry in ClinVar:

NM_001287491.2(TET3):c.3235G>A (p.Asp1079Asn)

Gene: TET3 (tet methylcytosine dioxygenase 3; plus strand). Cytogenetic location: 2p13.1.
Variant type: single nucleotide variant.
Coding change: c.3235G>A on transcript NM_001287491.2 (MANE Select); coding-DNA position 3235, G replaced by A.
Protein change: p.Asp1079Asn; replaces aspartic acid 1079 with asparagine.
Molecular consequence: missense variant.
Genome position (GRCh38, 1-based): chr2:74,093,634, G>A. VCF-style: chr2-74093634-G-A. GRCh37 (hg19) VCF-style: chr2-74320761-G-A.
Other names: c.2956G>A, p.Asp986Asn (NM_001366022.1); short protein forms D1079N, D986N.
Identifiers: ClinVar variation 4527865 (VCV004527865.1).
Genomic context (GRCh38, chr2:74,093,634, plus strand): 5'-GAAGGACGGCCCTTCGCGGGGGTCACGGCCTGCATGGACTTCTGTGCCCACGCCCACAAG[G>A]ACCAGCATAACCTCTACAATGGGTGCACCGTGGTAAGCCTGTGCCCTGTCATAGCCCCAC-3'
Protein context (NP_001274420.1, residues 1069-1089): CMDFCAHAHK[Asp1079Asn]QHNLYNGCTV

ClinVar aggregate classification (germline): Uncertain significance (1 of 4 stars; one submission).

Submission:

GeneDx
Classification: Uncertain significance. Last evaluated: 2025-05-02. Review status: criteria provided, single submitter. Criteria: GeneDx Variant Classification Process June 2021. Collection method: clinical testing. Allele origin: germline. Affected: yes.
Comment: Not observed at significant frequency in large population cohorts (gnomAD); In silico analysis supports that this missense variant has a deleterious effect on protein structure/function; Has not been previously published as pathogenic or benign to our knowledge